The following is an entry in ClinVar:

NM_014515.7(CNOT2):c.40A>C (p.Asn14His)

Gene: CNOT2 (CCR4-NOT transcription complex subunit 2; plus strand). Cytogenetic location: 12q15.
Variant type: single nucleotide variant.
Coding change: c.40A>C on transcript NM_014515.7 (MANE Select); coding-DNA position 40, A replaced by C.
Protein change: p.Asn14His; replaces asparagine 14 with histidine.
Molecular consequence: missense variant. On other transcripts: 5 prime UTR variant (6), non-coding transcript variant (1), intron variant (1).
Genome position (GRCh38, 1-based): chr12:70,278,266, A>C. VCF-style: chr12-70278266-A-C. GRCh37 (hg19) VCF-style: chr12-70672046-A-C.
Other names: c.40A>C, p.Asn14His (NM_001199302.2, NM_001199303.2, NM_001414651.1 and 4 more transcripts); c.-212A>C (NM_001414653.1); c.-46A>C (NM_001414654.1); c.-399A>C (NM_001414655.1); c.-200A>C (NM_001414657.1); c.-182A>C (NM_001414659.1); c.-208A>C (NM_001414660.1); c.-12-32629A>C (NM_001414658.1); short protein forms N14H.
Identifiers: ClinVar variation 2636366 (VCV002636366.1), dbSNP rs1443243067, ClinGen allele CA385905040.

ClinVar aggregate classification (germline): Uncertain significance (1 of 4 stars; one submission).

Conditions:
CNOT2-related disorder. Also called: CNOT2-related condition.

Allele frequency attached by ClinVar (database versions not stated): TOPMed below 0.00001; gnomAD 0.00001.
gnomAD v4.1: 1 of 1,608,548 alleles (0.000062%); highest among the groups gnomAD compares: Admixed American, 0.0017%; no homozygotes.

Submission:

PreventionGenetics, part of Exact Sciences
Classification: Uncertain significance for CNOT2-related condition. Last evaluated: 2023-06-26. Review status: criteria provided, single submitter. Criteria: ACMG Guidelines, 2015. Collection method: clinical testing. Allele origin: germline.
Comment: The CNOT2 c.40A>C variant is predicted to result in the amino acid substitution p.Asn14His. To our knowledge, this variant has not been reported in the literature or in a large population database, indicating this variant is rare. At this time, the clinical significance of this variant is uncertain due to the absence of conclusive functional and genetic evidence.